The following is an entry in ClinVar:

ClinVar aggregate classification (germline): Likely pathogenic (1 of 4 stars; one submission).

Conditions:
Autoimmune enteropathy and endocrinopathy - susceptibility to chronic infections syndrome. Also called: Immunodeficiency 31C, autosomal dominant; Immunodeficiency 31C. Identifiers: Orphanet 391487, MedGen C3279990, MONDO:0013599, OMIM 614162.

Submission:

Center for Human Genetics and Genomic Medicine, Uniklinik Rwth Aachen
Classification: Likely pathogenic for Autoimmune enteropathy and endocrinopathy - susceptibility to chronic infections syndrome. Last evaluated: 2022-12-07. Review status: criteria provided, single submitter. Criteria: ACMG Guidelines, 2015. Collection method: clinical testing. Allele origin: de novo. Inheritance: Autosomal dominant inheritance. Affected: yes. Observed: 1 heterozygote.
Comment: The variant is not listed in control collectives (gnomAD). It has not yet been described in the literature or in the ClinVar database. Bioinformatically, the change is classified as "likely disease-causing" (CADDphred 30). The variant is currently to be regarded as a "likely pathogenic variant" (ACMG criteria).

NM_007315.4(STAT1):c.1210T>G (p.Phe404Val)

Gene: STAT1 (signal transducer and activator of transcription 1; minus strand). Cytogenetic location: 2q32.2.
Variant type: single nucleotide variant.
Coding change: c.1210T>G on transcript NM_007315.4 (MANE Select); coding-DNA position 1210, T replaced by G.
Protein change: p.Phe404Val; replaces phenylalanine 404 with valine.
Molecular consequence: missense variant.
Genome position (GRCh38, 1-based): chr2:190,986,865, A>C on the plus strand (T>G on the coding strand, the complement: STAT1 is on the minus strand). VCF-style: chr2-190986865-A-C. GRCh37 (hg19) VCF-style: chr2-191851591-A-C.
Other names: c.1150T>G, p.Phe384Val (NM_001384880.1); c.1216T>G, p.Phe406Val (NM_001384881.1, NM_001384884.1); c.1204T>G, p.Phe402Val (NM_001384882.1); c.1111T>G, p.Phe371Val (NM_001384883.1); c.1051T>G, p.Phe351Val (NM_001384885.1); c.1210T>G, p.Phe404Val (NM_001384886.1, NM_001384889.1, NM_139266.3); c.1117T>G, p.Phe373Val (NM_001384887.1); c.1180T>G, p.Phe394Val (NM_001384888.1); and 2 more; short protein forms F351V, F371V, F373V, F374V, F384V, F394V, F402V, F404V.
Identifiers: ClinVar variation 1803006 (VCV001803006.1), dbSNP rs2470465165, ClinGen allele CA349918822.